The following is an entry in ClinVar:

ClinVar aggregate classification (germline): Uncertain significance. Review status: criteria provided, multiple submitters, no conflicts (2 of 4 stars). 2 submissions from 2 submitters: Uncertain significance (2). Last evaluated 2025-12-06.

Conditions:
CHARGE syndrome (CHARGE). Also called: Hittner Hirsch Kreh syndrome; CHARGE ASSOCIATION--COLOBOMA, HEART ANOMALY, CHOANAL ATRESIA, RETARDATION, GENITAL AND EAR ANOMALIES; Coloboma, heart anomaly, choanal atresia, retardation, genital and ear anomalies; CHARGE association; Hall-Hittner syndrome. Identifiers: Orphanet 138, MedGen C0265354, MONDO:0008965.

Allele frequency attached by ClinVar (database versions not stated): gnomAD exomes below 0.00001; gnomAD 0.00001; TOPMed 0.00001.
gnomAD v4.1: 6 of 1,612,520 alleles (0.00037%); highest among the groups gnomAD compares: Non-Finnish European, 0.00042%; no homozygotes.

Submissions (2):

Labcorp Genetics (formerly Invitae), Labcorp
Classification: Uncertain significance for CHARGE syndrome. Last evaluated: 2025-12-06. Review status: criteria provided, single submitter. Criteria: Invitae Variant Classification Sherloc (09022015). Collection method: clinical testing. Allele origin: germline.
Comment: This sequence change replaces isoleucine, which is neutral and non-polar, with valine, which is neutral and non-polar, at codon 341 of the SEMA3E protein (p.Ile341Val). This variant is not present in population databases (gnomAD no frequency). This variant has not been reported in the literature in individuals affected with SEMA3E-related conditions. ClinVar contains an entry for this variant (Variation ID: 3021885). Invitae Evidence Modeling of protein sequence and biophysical properties (such as structural, functional, and spatial information, amino acid conservation, physicochemical variation, residue mobility, and thermodynamic stability) indicates that this missense variant is not expected to disrupt SEMA3E protein function with a negative predictive value of 80%. In summary, the available evidence is currently insufficient to determine the role of this variant in disease. Therefore, it has been classified as a Variant of Uncertain Significance.

Blueprint Genetics
Classification: Uncertain significance. Last evaluated: 2024-04-30. Review status: criteria provided, single submitter. Criteria: ACMG Guidelines, 2015. Collection method: clinical testing. Allele origin: germline.

NM_012431.3(SEMA3E):c.1021A>G (p.Ile341Val)

Gene: SEMA3E (semaphorin 3E; minus strand). Cytogenetic location: 7q21.11.
Variant type: single nucleotide variant.
Coding change: c.1021A>G on transcript NM_012431.3 (MANE Select); coding-DNA position 1021, A replaced by G.
Protein change: p.Ile341Val; replaces isoleucine 341 with valine.
Molecular consequence: missense variant.
Genome position (GRCh38, 1-based): chr7:83,402,754, T>C on the plus strand (A>G on the coding strand, the complement: SEMA3E is on the minus strand). VCF-style: chr7-83402754-T-C. GRCh37 (hg19) VCF-style: chr7-83032070-T-C.
Other names: c.841A>G, p.Ile281Val (NM_001178129.2); short protein forms I281V, I341V.
Identifiers: ClinVar variation 3021885 (VCV003021885.4), dbSNP rs769997546, ClinGen allele CA161168374.
Genomic context (GRCh38, chr7:83,402,754, plus strand): 5'-CCTTATGTGCATATGGTCCGTTGAAGGCTGCCCGAATGCTAGACATGTGATAGACACATA[T>C]AGCATGCCCTCGAAAAATATTACTGAAAAATACAAAAAAGATAATTATTCTTCTGGAACT-3'
Protein context (NP_036563.1, residues 331-351): TTSNIFRGHA[Ile341Val]CVYHMSSIRA